The following is an entry in ClinVar:

NM_001166108.2(PALLD):c.1965-12626_1965-12625inv

Gene: PALLD (palladin, cytoskeletal associated protein; plus strand). Cytogenetic location: 4q32.3.
Variant type: Inversion.
Coding change: c.1965-12626_1965-12625inv on transcript NM_001166108.2 (MANE Select).
Molecular consequence: intron variant. On other transcripts: missense variant (1).
Genome position: GRCh38 VCF-style: chr4-168878296-CA-TG. GRCh37 (hg19) VCF-style: chr4-169799447-CA-TG.
Other names: c.405_406inv, p.Ser136Gly (NM_001166110.2); c.1965-12626_1965-12625inv (NM_016081.4); c.819-12626_819-12625inv (NM_001166109.2); c.-157-12626_-157-12625inv (NM_001367570.1, NM_001367568.1, NM_001367567.1 and 1 more transcripts); short protein forms S136G.
Identifiers: ClinVar variation 1908076 (VCV001908076.5), ClinGen allele CA2580071662.

ClinVar aggregate classification (germline): Uncertain significance (1 of 4 stars; one submission).

Conditions:
Pancreatic adenocarcinoma. Identifiers: MedGen C0281361, MONDO:0006047, HP:0006725.

Submission:

Labcorp Genetics (formerly Invitae), Labcorp
Classification: Uncertain significance for Pancreatic adenocarcinoma. Last evaluated: 2022-09-05. Review status: criteria provided, single submitter. Criteria: Invitae Variant Classification Sherloc (09022015). Collection method: clinical testing. Allele origin: germline.
Comment: This sequence change replaces serine, which is neutral and polar, with glycine, which is neutral and non-polar, at codon 136 of the PALLD protein (p.Ser136Gly). In summary, the available evidence is currently insufficient to determine the role of this variant in disease. Therefore, it has been classified as a Variant of Uncertain Significance. Experimental studies and prediction algorithms are not available or were not evaluated, and the functional significance of this variant is currently unknown. This variant has not been reported in the literature in individuals affected with PALLD-related conditions. Information on the frequency of this variant in the gnomAD database is not available, as this variant may be reported differently in the database.